The following is an entry in ClinVar:

NM_000465.4(BARD1):c.30_44dup (p.Gln11_Arg15dup)

Gene: BARD1 (BRCA1 associated RING domain 1; minus strand). Cytogenetic location: 2q35.
Variant type: Duplication.
Coding change: c.30_44dup on transcript NM_000465.4 (MANE Select); coding-DNA positions 30 to 44, 15 bases duplicated (GCAGCCGAGGATCCG).
Protein change: p.Gln11_Arg15dup.
Molecular consequence: inframe insertion. On other transcripts: non-coding transcript variant (3).
Genome position (GRCh38, 1-based): chr2:214,809,526-214,809,540, CGGATCCTCGGCTGC duplicated on the plus strand (GCAGCCGAGGATCCG on the coding strand, the reverse complement: BARD1 is on the minus strand); duplicating any 15 consecutive bases within chr2:214,809,526-214,809,543 gives the same sequence; the c. name uses the placement nearest the transcript's 3' end. VCF-style (leftmost placement, unchanged base first): chr2-214809525-G-GCGGATCCTCGGCTGC. GRCh37 (hg19) VCF-style: chr2-215674249-G-GCGGATCCTCGGCTGC.
Other names: c.30_44dupGCAGCCGAGGATCCG (NM_000465.2, NM_000465.3); c.30_44dup (NM_000465.2); c.30_44dup, p.Gln11_Arg15dup (NM_001282543.2, NM_001282545.2, NM_001282548.2 and 1 more transcripts).
Identifiers: ClinVar variation 481374 (VCV000481374.27), dbSNP rs587781297, ClinGen allele CA539522490.
Genomic context (GRCh38, chr2:214,809,525, plus strand): 5'-GGCCCAGGCACCGCGACCATCCGGTTCCATGGCGGGCGCGGAACGAGGCTCGTTCCCGGA[G>GCGGATCCTCGGCTGC]CGGATCCTCGGCTGCCGGTTCCTCGGCTGCCGATTATCCGGCATCGTCCCGCCTTCGGAT-3'

ClinVar aggregate classification (germline): Uncertain significance. Review status: criteria provided, multiple submitters, no conflicts (2 of 4 stars). 9 submissions from 9 submitters: Uncertain significance (9). Last evaluated 2025-11-18.

Conditions:
BARD1-related disorder. Also called: BARD1-related condition.
Hereditary cancer-predisposing syndrome. Also called: Neoplastic Syndromes, Hereditary; Hereditary Cancer Syndrome; Tumor predisposition; Hereditary neoplastic syndrome. Identifiers: Orphanet 140162, MedGen C0027672, MeSH D009386, MONDO:0015356.
Familial cancer of breast. Also called: BREAST CANCER, FAMILIAL; Hereditary breast cancer; hereditary breast carcinoma. Identifiers: Orphanet 227535, MedGen C0346153, MONDO:0016419, OMIM 114480. Disease mechanism: loss of function.

Submissions (9):

Labcorp Genetics (formerly Invitae), Labcorp
Classification: Uncertain significance for Familial cancer of breast. Last evaluated: 2025-11-18. Review status: criteria provided, single submitter. Criteria: Invitae Variant Classification Sherloc (09022015). Collection method: clinical testing. Allele origin: germline.
Comment: This variant, c.30_44dup, results in the insertion of 5 amino acid(s) of the BARD1 protein (p.Gln11_Arg15dup), but otherwise preserves the integrity of the reading frame. This variant is present in population databases (no rsID available, gnomAD 0.003%). This variant has not been reported in the literature in individuals affected with BARD1-related conditions. ClinVar contains an entry for this variant (Variation ID: 481374). Experimental studies and prediction algorithms are not available or were not evaluated, and the functional significance of this variant is currently unknown. In summary, the available evidence is currently insufficient to determine the role of this variant in disease. Therefore, it has been classified as a Variant of Uncertain Significance.

PreventionGenetics, part of Exact Sciences
Classification: Uncertain significance for BARD1-related condition. Last evaluated: 2025-07-23. Review status: criteria provided, single submitter. Criteria: ACMG Guidelines, 2015. Collection method: clinical testing. Allele origin: germline.
Comment: The BARD1 c.30_44dup15 variant is predicted to result in an in-frame duplication (p.Gln11_Arg15dup). To our knowledge, this variant has not been reported in the literature. This variant is reported in 0.0034% of alleles in individuals of European (Non-Finnish) descent in gnomAD and is interpreted as uncertain in ClinVar (Variation ID: 481374). At this time, the clinical significance of this variant is uncertain due to the absence of conclusive functional and genetic evidence.

Color Diagnostics, LLC DBA Color Health
Classification: Uncertain significance for Hereditary cancer-predisposing syndrome. Last evaluated: 2025-02-19. Review status: criteria provided, single submitter. Criteria: ACMG Guidelines, 2015. Collection method: clinical testing. Allele origin: germline.
Comment: This variant causes the in-frame duplication of 5 amino acids in the BARD1 protein. To our knowledge, functional studies have not been performed for this variant. This variant has not been reported in individuals affected with hereditary cancer in the literature. This variant has been identified in 3/203892 chromosomes in the general population by the Genome Aggregation Database (gnomAD). The available evidence is insufficient to determine the role of this variant in disease conclusively. Therefore, this variant is classified as a Variant of Uncertain Significance.

ARUP Laboratories, Molecular Genetics and Genomics, ARUP Laboratories
Classification: Uncertain significance for Familial cancer of breast. Last evaluated: 2024-09-09. Review status: criteria provided, single submitter. Criteria: ARUP Molecular Germline Variant Investigation Process 2024. Collection method: clinical testing. Allele origin: germline.
Comment: The BARD1 c.30_44dup; p.Gln11_Arg15dup variant (rs587781297), to our knowledge, is not reported in the medical literature but is reported in ClinVar (Variation ID: 481374). This variant is found in the non-Finnish European population with an allele frequency of 0.003% (3/89,058 alleles) in the Genome Aggregation Database (v2.1.1). This variant duplicates five amino acid residues leaving the rest of the protein in-frame. Due to limited information, the clinical significance of this variant is uncertain at this time.

Ambry Genetics
Classification: Uncertain significance for Hereditary cancer-predisposing syndrome. Last evaluated: 2024-06-14. Review status: criteria provided, single submitter. Criteria: Ambry Variant Classification Scheme 2023. Collection method: clinical testing. Allele origin: germline.
Comment: The c.30_44dup15 variant (also known as p.Q11_R15dup), located in coding exon 1 of the BARD1 gene, results from an in-frame duplication of 15 nucleotides at nucleotide positions 30 to 44. This results in the duplication of 5 extra residues (QPRIR) between codons 11 and 15. This amino acid region is well conserved in available vertebrate species. In addition, this alteration is predicted to be neutral by in silico analysis (Choi Y et al. PLoS ONE. 2012; 7(10):e46688). Based on the available evidence, the clinical significance of this variant remains unclear.

GeneDx
Classification: Uncertain significance. Last evaluated: 2023-11-07. Review status: criteria provided, single submitter. Criteria: GeneDx Variant Classification Process June 2021. Collection method: clinical testing. Allele origin: germline. Affected: yes.
Comment: Not observed at significant frequency in large population cohorts (gnomAD); In-frame duplication of 5 amino acids in a non-repeat region; Has not been previously published as pathogenic or benign to our knowledge

Baylor Genetics
Classification: Uncertain significance for Familial cancer of breast. Last evaluated: 2023-08-23. Review status: criteria provided, single submitter. Criteria: ACMG Guidelines, 2015. Collection method: clinical testing. Allele origin: unknown.

Department of Pathology and Laboratory Medicine, Sinai Health System
Classification: Uncertain significance for Familial cancer of breast. Last evaluated: 2021-10-04. Review status: criteria provided, single submitter. Criteria: ACMG Guidelines, 2015. Collection method: clinical testing. Allele origin: germline. Affected: yes.

Quest Diagnostics Nichols Institute San Juan Capistrano
Classification: Uncertain significance. Last evaluated: 2017-09-20. Review status: criteria provided, single submitter. Criteria: Quest Diagnostics criteria. Collection method: clinical testing. Allele origin: germline.